The following is an entry in ClinVar:

NM_000059.4(BRCA2):c.9565C>T (p.Pro3189Ser)

Gene: BRCA2 (BRCA2 DNA repair associated; plus strand). Cytogenetic location: 13q13.1.
Variant type: single nucleotide variant.
Coding change: c.9565C>T on transcript NM_000059.4 (MANE Select); coding-DNA position 9565, C replaced by T.
Protein change: p.Pro3189Ser; replaces proline 3189 with serine.
Molecular consequence: missense variant.
Genome position (GRCh38, 1-based): chr13:32,396,961, C>T. VCF-style: chr13-32396961-C-T. GRCh37 (hg19) VCF-style: chr13-32971098-C-T.
Other names: short protein forms P3189S.
Identifiers: ClinVar variation 1321079 (VCV001321079.7), dbSNP rs772385867, ClinGen allele CA387763301.
Genomic context (GRCh38, chr13:32,396,961, plus strand): 5'-ATTGACATACTTTGCAATGAAGCAGAAAACAAGCTTATGCATATACTGCATGCAAATGAT[C>T]CCAAGTGGTCCACCCCAACTAAAGACTGTACTTCAGGGCCGTACACTGCTCAAATCATTC-3'
Protein context (NP_000050.3, residues 3179-3199): KLMHILHAND[Pro3189Ser]KWSTPTKDCT

ClinVar aggregate classification (germline): Uncertain significance. Review status: criteria provided, multiple submitters, no conflicts (2 of 4 stars). 4 submissions from 4 submitters: Uncertain significance (4). Last evaluated 2024-10-14.

Conditions:
Hereditary cancer-predisposing syndrome. Also called: Hereditary neoplastic syndrome; Neoplastic Syndromes, Hereditary; Tumor predisposition; Hereditary Cancer Syndrome. Identifiers: Orphanet 140162, MedGen C0027672, MeSH D009386, MONDO:0015356.
Hereditary breast ovarian cancer syndrome. Also called: Hereditary breast and/or ovarian cancer syndrome; Hereditary breast and ovarian cancer syndrome; Hereditary breast and ovarian cancer; Breast and ovarian cancer; Hereditary breast and ovarian cancer syndrome (HBOC); BRCA1- and BRCA2-Associated Hereditary Breast and Ovarian Cancer. Identifiers: Orphanet 145, MedGen C0677776, MeSH D061325, MONDO:0003582. Disease mechanism: loss of function.

Submissions (4):

Quest Diagnostics Nichols Institute San Juan Capistrano
Classification: Uncertain significance. Last evaluated: 2024-10-14. Review status: criteria provided, single submitter. Criteria: Quest Diagnostics criteria. Collection method: clinical testing. Allele origin: unknown.
Comment: The BRCA2 c.9565C>T (p.Pro3189Ser) variant has not been reported in individuals with BRCA2-related conditions in the published literature. It also has not been reported in large, multi-ethnic general populations (Genome Aggregation Database). Analysis of this variant using bioinformatics tools for the prediction of the effect of amino acid changes on protein structure and function yielded predictions that this variant is benign. Based on the available information, we are unable to determine the clinical significance of this variant.

Ambry Genetics
Classification: Uncertain significance for Hereditary cancer-predisposing syndrome. Last evaluated: 2024-05-24. Review status: criteria provided, single submitter. Criteria: Ambry Variant Classification Scheme 2023. Collection method: clinical testing. Allele origin: germline.
Comment: The p.P3189S variant (also known as c.9565C>T), located in coding exon 25 of the BRCA2 gene, results from a C to T substitution at nucleotide position 9565. The proline at codon 3189 is replaced by serine, an amino acid with similar properties. This amino acid position is conserved. In addition, the in silico prediction for this alteration is inconclusive. Based on the available evidence, the clinical significance of this variant remains unclear.

Labcorp Genetics (formerly Invitae), Labcorp
Classification: Uncertain significance for Hereditary breast ovarian cancer syndrome. Last evaluated: 2024-01-07. Review status: criteria provided, single submitter. Criteria: Invitae Variant Classification Sherloc (09022015). Collection method: clinical testing. Allele origin: germline.
Comment: This sequence change replaces proline, which is neutral and non-polar, with serine, which is neutral and polar, at codon 3189 of the BRCA2 protein (p.Pro3189Ser). This variant is not present in population databases (gnomAD no frequency). This variant has not been reported in the literature in individuals affected with BRCA2-related conditions. ClinVar contains an entry for this variant (Variation ID: 1321079). Advanced modeling of protein sequence and biophysical properties (such as structural, functional, and spatial information, amino acid conservation, physicochemical variation, residue mobility, and thermodynamic stability) performed at Invitae indicates that this missense variant is not expected to disrupt BRCA2 protein function with a negative predictive value of 95%. In summary, the available evidence is currently insufficient to determine the role of this variant in disease. Therefore, it has been classified as a Variant of Uncertain Significance.

GeneDx
Classification: Uncertain significance. Last evaluated: 2019-11-25. Review status: criteria provided, single submitter. Criteria: GeneDx Variant Classification Process June 2021. Collection method: clinical testing. Allele origin: germline. Affected: yes.
Comment: Not observed in large population cohorts (Lek 2016); In silico analysis, which includes protein predictors and evolutionary conservation, supports that this variant does not alter protein structure/function; Has not been previously published as pathogenic or benign to our knowledge; Also known as 9793C>T